The following is an entry in ClinVar:

ClinVar aggregate classification (germline): Uncertain significance (1 of 4 stars; one submission).

Allele frequency attached by ClinVar (database versions not stated): gnomAD 0.00003; TOPMed 0.00004; ExAC 0.00005.
gnomAD v4.1: 18 of 1,614,188 alleles (0.0011%); highest among the groups gnomAD compares: East Asian, 0.013%; no homozygotes.

Submission:

Labcorp Genetics (formerly Invitae), Labcorp
Classification: Uncertain significance. Last evaluated: 2022-08-15. Review status: criteria provided, single submitter. Criteria: Invitae Variant Classification Sherloc (09022015). Collection method: clinical testing. Allele origin: germline.
Comment: This sequence change replaces isoleucine, which is neutral and non-polar, with valine, which is neutral and non-polar, at codon 341 of the NDUFS1 protein (p.Ile341Val). This variant is present in population databases (rs746089657, gnomAD 0.03%). This variant has not been reported in the literature in individuals affected with NDUFS1-related conditions. Algorithms developed to predict the effect of missense changes on protein structure and function output the following: SIFT: "Tolerated"; PolyPhen-2: "Benign"; Align-GVGD: "Class C0". The valine amino acid residue is found in multiple mammalian species, which suggests that this missense change does not adversely affect protein function. In summary, the available evidence is currently insufficient to determine the role of this variant in disease. Therefore, it has been classified as a Variant of Uncertain Significance.

NM_005006.7(NDUFS1):c.1021A>G (p.Ile341Val)

Gene: NDUFS1 (NADH:ubiquinone oxidoreductase core subunit S1; minus strand). Cytogenetic location: 2q33.3.
Variant type: single nucleotide variant.
Coding change: c.1021A>G on transcript NM_005006.7 (MANE Select); coding-DNA position 1021, A replaced by G.
Protein change: p.Ile341Val; replaces isoleucine 341 with valine.
Molecular consequence: missense variant.
Genome position (GRCh38, 1-based): chr2:206,142,798, T>C on the plus strand (A>G on the coding strand, the complement: NDUFS1 is on the minus strand). VCF-style: chr2-206142798-T-C. GRCh37 (hg19) VCF-style: chr2-207007522-T-C.
Other names: c.913A>G, p.Ile305Val (NM_001199981.2); c.688A>G, p.Ile230Val (NM_001199982.2); c.850A>G, p.Ile284Val (NM_001199983.2); c.1063A>G, p.Ile355Val (NM_001199984.2); short protein forms I355V, I305V, I284V, I230V, I341V.
Identifiers: ClinVar variation 2178669 (VCV002178669.1), dbSNP rs746089657, ClinGen allele CA2070578.